The following is an entry in ClinVar:

NM_021096.4(CACNA1I):c.99C>T (p.Ser33=)

Gene: CACNA1I (calcium voltage-gated channel subunit alpha1 I; plus strand). Cytogenetic location: 22q13.1.
Variant type: single nucleotide variant.
Coding change: c.99C>T on transcript NM_021096.4 (MANE Select); coding-DNA position 99, C replaced by T.
Protein change: p.Ser33=; no amino-acid change (serine 33 retained).
Molecular consequence: synonymous variant.
Genome position (GRCh38, 1-based): chr22:39,570,851, C>T. VCF-style: chr22-39570851-C-T. GRCh37 (hg19) VCF-style: chr22-39966856-C-T.
Other names: c.99C>T, p.Ser33= (NM_001003406.2).
Identifiers: ClinVar variation 3060116 (VCV003060116.2), dbSNP rs3747178, ClinGen allele CA10243475.
Genomic context (GRCh38, chr22:39,570,851, plus strand): 5'-AGCCCCAGCCGCTGAGCCAGGAGTCACCACGGAGCAGCCCGGACCCCGGAGCCCCCCATC[C>T]TCCCCGCCAGGCCTGGAGGAGCCTCTGGATGGAGCTGATCCTCATGTCCCACACCCAGAC-3'
Protein context (NP_066919.2, residues 23-43): TEQPGPRSPP[Ser33=]SPPGLEEPLD

ClinVar aggregate classification (germline): Benign (0 of 4 stars; one submission).

Conditions:
CACNA1I-related disorder. Also called: CACNA1I-related condition.

Allele frequency attached by ClinVar (database versions not stated): ESP Exome Variant Server 0.23073; TOPMed 0.25717; gnomAD 0.26475; gnomAD exomes 0.31186; 1000 Genomes Project 30x 0.31730; ExAC 0.32087; 1000 Genomes Project 0.32887.
gnomAD v4.1: 496,580 of 1,613,156 alleles (31%); highest among the groups gnomAD compares: East Asian, 74%; 83,656 homozygotes.

Submission:

PreventionGenetics, part of Exact Sciences
Classification: Benign for CACNA1I-related condition. Last evaluated: 2019-10-18. Review status: no assertion criteria provided. Collection method: clinical testing. Allele origin: germline.
Comment: This variant is classified as benign based on ACMG/AMP sequence variant interpretation guidelines (Richards et al. 2015 PMID: 25741868, with internal and published modifications).